The following is an entry in ClinVar:

ClinVar aggregate classification (germline): Pathogenic (1 of 4 stars; one submission).

Conditions:
Syndromic X-linked intellectual disability Najm type (MICPCH). Also called: Intellectual Disability and Microcephaly with Pontine and Cerebellar Hypoplasia (MICPCH); Mental retardation and microcephaly with pontine and cerebellar hypoplasia; MENTAL RETARDATION, X-LINKED, SYNDROMIC, NAJM TYPE; Intellectual Disability and Microcephaly with Pontine and Cerebellar Hypoplasia; MICPCH SYNDROME; Intellectual developmental disorder and microcephaly with pontine and cerebellar hypoplasia. Identifiers: Orphanet 163937, MedGen C2677903, MONDO:0010417, OMIM 300749.

Submission:

Laboratory for Cytogenetics and Genome Research, KU Leuven
Classification: Pathogenic for Syndromic X-linked intellectual disability Najm type. Last evaluated: 2017-11-01. Review status: criteria provided, single submitter. Criteria: ACMG Guidelines, 2015. Collection method: research. Allele origin: de novo. Affected: yes. Observed: 1 variant allele.

NM_001367721.1(CASK):c.109C>T (p.Gln37Ter)

Gene: CASK (calcium/calmodulin dependent serine protein kinase; minus strand). Cytogenetic location: Xp11.4.
Variant type: single nucleotide variant.
Coding change: c.109C>T on transcript NM_001367721.1 (MANE Select); coding-DNA position 109, C replaced by T.
Protein change: p.Gln37Ter; replaces glutamine 37 with a stop codon.
Molecular consequence: nonsense.
Genome position (GRCh38, 1-based): chrX:41,853,178, G>A on the plus strand (C>T on the coding strand, the complement: CASK is on the minus strand). VCF-style: chrX-41853178-G-A. GRCh37 (hg19) VCF-style: chrX-41712431-G-A.
Other names: c.109C>T, p.Gln37Ter (NM_001126054.3, NM_001126055.3, NM_001410745.1 and 1 more transcripts); short protein forms Q37*.
Identifiers: ClinVar variation 446288 (VCV000446288.2), dbSNP rs1556254569, ClinGen allele CA413000876.